The following is an entry in ClinVar:

ClinVar aggregate classification (germline): Likely benign. Review status: criteria provided, multiple submitters, no conflicts (2 of 4 stars). 2 submissions from 2 submitters: Likely benign (2). Last evaluated 2025-09-19.

Conditions:
PDE6C-related disorder. Also called: PDE6C-related condition.

Allele frequency attached by ClinVar (database versions not stated): gnomAD exomes 0.00001 and 0.00004; ExAC 0.00003; ESP Exome Variant Server 0.00008; TOPMed 0.00013; gnomAD 0.00014 and 0.00016.
gnomAD v4.1: 44 of 1,612,930 alleles (0.0027%); highest among the groups gnomAD compares: African/African-American, 0.031%; no homozygotes.

Submissions (2):

Labcorp Genetics (formerly Invitae), Labcorp
Classification: Likely benign. Last evaluated: 2025-09-19. Review status: criteria provided, single submitter. Criteria: Invitae Variant Classification Sherloc (09022015). Collection method: clinical testing. Allele origin: germline.

PreventionGenetics, part of Exact Sciences
Classification: Likely benign for PDE6C-related condition. Last evaluated: 2025-07-31. Review status: criteria provided, single submitter. Criteria: ACMG Guidelines, 2015. Collection method: clinical testing. Allele origin: germline.
Comment: This variant is classified as likely benign based on ACMG/AMP sequence variant interpretation guidelines (Richards et al. 2015 PMID: 25741868, with internal and published modifications).

NM_006204.4(PDE6C):c.2088G>A (p.Thr696=)

Gene: PDE6C (phosphodiesterase 6C; plus strand). Cytogenetic location: 10q23.33.
Variant type: single nucleotide variant.
Coding change: c.2088G>A on transcript NM_006204.4 (MANE Select); coding-DNA position 2088, G replaced by A.
Protein change: p.Thr696=; no amino-acid change (threonine 696 retained).
Molecular consequence: synonymous variant.
Genome position (GRCh38, 1-based): chr10:93,658,952, G>A. VCF-style: chr10-93658952-G-A. GRCh37 (hg19) VCF-style: chr10-95418709-G-A.
Other names: c.2088G>A (NM_006204.3).
Identifiers: ClinVar variation 1133122 (VCV001133122.10), dbSNP rs149233240, ClinGen allele CA5610395.